The following is an entry in ClinVar:

NM_001184.4(ATR):c.7528A>G (p.Ile2510Val)

Gene: ATR (ATR checkpoint kinase; minus strand). Cytogenetic location: 3q23.
Variant type: single nucleotide variant.
Coding change: c.7528A>G on transcript NM_001184.4 (MANE Select); coding-DNA position 7528, A replaced by G.
Protein change: p.Ile2510Val; replaces isoleucine 2510 with valine.
Molecular consequence: missense variant.
Genome position (GRCh38, 1-based): chr3:142,457,731, T>C on the plus strand (A>G on the coding strand, the complement: ATR is on the minus strand). VCF-style: chr3-142457731-T-C. GRCh37 (hg19) VCF-style: chr3-142176573-T-C.
Other names: c.7336A>G, p.Ile2446Val (NM_001354579.2); short protein forms I2446V, I2510V.
Identifiers: ClinVar variation 1759354 (VCV001759354.2), dbSNP rs2473033566, ClinGen allele CA354795445.

ClinVar aggregate classification (germline): Uncertain significance (1 of 4 stars; one submission).

Conditions:
Inborn genetic diseases. Identifiers: MedGen C0950123, MeSH D030342.

Submission:

Ambry Genetics
Classification: Uncertain significance for Inborn genetic diseases. Last evaluated: 2021-12-30. Review status: criteria provided, single submitter. Criteria: Ambry Variant Classification Scheme 2023. Collection method: clinical testing. Allele origin: germline.
Comment: The p.I2510V variant (also known as c.7528A>G), located in coding exon 45 of the ATR gene, results from an A to G substitution at nucleotide position 7528. The isoleucine at codon 2510 is replaced by valine, an amino acid with highly similar properties. This amino acid position is conserved. In addition, this alteration is predicted to be tolerated by in silico analysis. Since supporting evidence is limited at this time, the clinical significance of this alteration remains unclear.